The following is an entry in ClinVar:

NM_001165963.4(SCN1A):c.4769T>G (p.Leu1590Arg)

Genes: SCN1A (sodium voltage-gated channel alpha subunit 1; minus strand), LOC102724058 (uncharacterized LOC102724058; plus strand). Cytogenetic location: 2q24.3.
Variant type: single nucleotide variant.
Coding change: c.4769T>G on transcript NM_001165963.4 (MANE Select); coding-DNA position 4769, T replaced by G.
Protein change: p.Leu1590Arg; replaces leucine 1590 with arginine.
Molecular consequence: missense variant. On other transcripts: non-coding transcript variant (1).
Genome position (GRCh38, 1-based): chr2:165,994,229, A>C on the plus strand (T>G on the coding strand, the complement: SCN1A is on the minus strand). VCF-style: chr2-165994229-A-C. GRCh37 (hg19) VCF-style: chr2-166850739-A-C.
Other names: c.4685T>G, p.Leu1562Arg (NM_001165964.3, NM_001353957.2, NM_001353958.2); c.4769T>G, p.Leu1590Arg (NM_001202435.3, NM_001353948.2); c.4736T>G, p.Leu1579Arg (NM_001353949.2, NM_001353950.2, NM_001353951.2 and 2 more transcripts); c.4733T>G, p.Leu1578Arg (NM_001353954.2, NM_001353955.2); c.4682T>G, p.Leu1561Arg (NM_001353960.2); c.2327T>G, p.Leu776Arg (NM_001353961.2); short protein forms L1561R, L1562R, L1578R, L1590R, L1579R, L776R.
Identifiers: ClinVar variation 2585309 (VCV002585309.1), dbSNP rs2468358829, ClinGen allele CA349071611.

ClinVar aggregate classification (germline): Uncertain significance (1 of 4 stars; one submission).

Conditions:
Developmental and epileptic encephalopathy 6B. Also called: Developmental and epileptic encephalopathy 6B, non-Dravet. Identifiers: MedGen C5543353, MONDO:0030268, OMIM 619317.

Submission:

Neuberg Centre For Genomic Medicine, NCGM
Classification: Uncertain significance for Developmental and epileptic encephalopathy 6B. Review status: criteria provided, single submitter. Criteria: ACMG Guidelines, 2015. Collection method: clinical testing. Allele origin: germline. Inheritance: Autosomal dominant inheritance. Affected: yes.
Comment: The missense variant c.4769T>G (p.Leu1590Arg) in SCN1A gene has not been reported previously as a pathogenic variant nor as a benign variant, to our knowledge. This variant is novel (not in any individuals) in gnomAD Exomes and 1000 Genomes. The amino acid Leucine at position 1590 is changed to a Arginine changing protein sequence and it might alter its composition and physico-chemical properties. The variant is predicted to be damaging by both SIFT and PolyPhen2. The residue is conserved across species. For these reasons, this variant has been classified as Uncertain Significance.